The following is an entry in ClinVar:

NC_000010.11:g.(?_20828520)_(20828644_?)del

Gene: NEBL (nebulette; minus strand). Cytogenetic location: 10p12.31.
Variant type: Deletion.
Identifiers: ClinVar variation 831348 (VCV000831348.1).

ClinVar aggregate classification (germline): Uncertain significance (1 of 4 stars; one submission).

Conditions:
Primary dilated cardiomyopathy (DCM). Also called: Dilated Cardiomyopathy. Identifiers: Orphanet 217604, MedGen C0007193, MeSH D002311, MONDO:0005021, HP:0001644. Inheritance: Various modes of inheritance.

Submission:

Labcorp Genetics (formerly Invitae), Labcorp
Classification: Uncertain significance for Primary dilated cardiomyopathy. Last evaluated: 2019-12-12. Review status: criteria provided, single submitter. Criteria: Invitae Variant Classification Sherloc (09022015). Collection method: clinical testing. Allele origin: germline.
Comment: This variant is an in-frame deletion of the genomic region encompassing exon 17 of the NEBL gene. It preserves the integrity of the reading frame. This variant has not been reported in the literature in individuals with NEBL-related disease. Experimental studies and prediction algorithms are not available for this variant, and the functional significance of the deleted amino acids is currently unknown. In summary, the available evidence is currently insufficient to determine the role of this variant in disease. Therefore, it has been classified as a Variant of Uncertain Significance.